The following is an entry in ClinVar:

ClinVar aggregate classification (germline): Likely pathogenic (1 of 4 stars; one submission).

Submission:

Labcorp Genetics (formerly Invitae), Labcorp
Classification: Likely pathogenic. Last evaluated: 2023-08-02. Review status: criteria provided, single submitter. Criteria: Invitae Variant Classification Sherloc (09022015). Collection method: clinical testing. Allele origin: germline.
Comment: This variant is not present in population databases (gnomAD no frequency). This sequence change affects an acceptor splice site in intron 9 of the TCIRG1 gene. It is expected to disrupt RNA splicing. Variants that disrupt the donor or acceptor splice site typically lead to a loss of protein function (PMID: 16199547), and loss-of-function variants in TCIRG1 are known to be pathogenic (PMID: 10888887, 10942435, 11532986, 19448635). This variant has not been reported in the literature in individuals affected with TCIRG1-related conditions. Algorithms developed to predict the effect of sequence changes on RNA splicing suggest that this variant may disrupt the consensus splice site. In summary, the currently available evidence indicates that the variant is pathogenic, but additional data are needed to prove that conclusively. Therefore, this variant has been classified as Likely Pathogenic.

Literature cited by the submitters: PubMed 16199547; PubMed 10888887; PubMed 10942435; PubMed 11532986; PubMed 19448635.

NM_006019.4(TCIRG1):c.1021-1G>C

Genes: MIR6753 (microRNA 6753; plus strand), TCIRG1 (T cell immune regulator 1, ATPase H+ transporting V0 subunit a3; plus strand). Cytogenetic location: 11q13.2.
Variant type: single nucleotide variant.
Coding change: c.1021-1G>C on transcript NM_006019.4 (MANE Select); the canonical splice acceptor site of the intron before coding-DNA position 1021, G replaced by C.
Molecular consequence: splice acceptor variant. On other transcripts: non-coding transcript variant (1).
Genome position (GRCh38, 1-based): chr11:68,044,957, G>C. VCF-style: chr11-68044957-G-C. GRCh37 (hg19) VCF-style: chr11-67812424-G-C.
Other names: c.127-1G>C (NM_001351059.2); c.373-1G>C (NM_006053.4).
Identifiers: ClinVar variation 2749238 (VCV002749238.3), dbSNP rs1590807544, ClinGen allele CA381581021.
Genomic context (GRCh38, chr11:68,044,957, plus strand): 5'-GATCCCAGGGTCCCTGAAGGCCCCCGCCACCGTTCTGGTCTGTCTCTGCCCTGGCACCCA[G>C]ATGGAGGAGGGAGTGAGTGCCGTGGCTCACCGCATCCCCTGCCGGGACATGCCCCCCACA-3'